The following is an entry in ClinVar:

NM_001005373.4(LRSAM1):c.1102C>T (p.Gln368Ter)

Gene: LRSAM1 (leucine rich repeat and sterile alpha motif containing 1; plus strand). Cytogenetic location: 9q33.3.
Variant type: single nucleotide variant.
Coding change: c.1102C>T on transcript NM_001005373.4 (MANE Select); coding-DNA position 1102, C replaced by T.
Protein change: p.Gln368Ter; replaces glutamine 368 with a stop codon.
Molecular consequence: nonsense. On other transcripts: non-coding transcript variant (2).
Genome position (GRCh38, 1-based): chr9:127,482,963, C>T. VCF-style: chr9-127482963-C-T. GRCh37 (hg19) VCF-style: chr9-130245242-C-T.
Other names: c.1102C>T, p.Gln368Ter (NM_001005374.4, NM_001190723.3, NM_001384142.1 and 2 more transcripts); c.313C>T, p.Gln105Ter (NM_001384144.1); short protein forms Q368*, Q105*.
Identifiers: ClinVar variation 931649 (VCV000931649.3), dbSNP rs776814240, ClinGen allele CA374932003.

ClinVar aggregate classification (germline): Likely pathogenic (1 of 4 stars; one submission).

Conditions:
Charcot-Marie-Tooth disease axonal type 2P. Also called: Charcot-Marie-Tooth Neuropathy Type 2G; CHARCOT-MARIE-TOOTH NEUROPATHY, TYPE 2P; CHARCOT-MARIE-TOOTH DISEASE, AXONAL, TYPE 2G; CMT 2G. Identifiers: Orphanet 300319, Orphanet 99941, MedGen C3280797, MONDO:0013753, OMIM 614436.

Submission:

Centre for Mendelian Genomics, University Medical Centre Ljubljana
Classification: Likely pathogenic for Charcot-Marie-Tooth disease axonal type 2P. Last evaluated: 2020-02-06. Review status: criteria provided, single submitter. Criteria: ACMG Guidelines, 2015. Collection method: clinical testing. Allele origin: unknown. Affected: yes.
Comment: This variant was classified as: Likely pathogenic. The following ACMG criteria were applied in classifying this variant: PVS1,PM2.